The following is an entry in ClinVar:

ClinVar aggregate classification (germline): Likely pathogenic (1 of 4 stars; one submission).

Conditions:
Multiple sulfatase deficiency (MSD). Also called: Mucosulfatidosis; Multiple Sulfatase Deficiency Disease; Sulfatidosis, Juvenile, Austin Type. Identifiers: Orphanet 585, MedGen C0268263, MONDO:0010088, OMIM 272200.

Submission:

Women's Health and Genetics/Laboratory Corporation of America, LabCorp
Classification: Likely pathogenic for Multiple sulfatase deficiency. Last evaluated: 2024-05-13. Review status: criteria provided, single submitter. Criteria: LabCorp Variant Classification Summary - May 2015. Collection method: clinical testing. Allele origin: germline.
Comment: Variant summary: SUMF1 c.1042G>T (p.Ala348Ser) results in a conservative amino acid change located in the Sulfatase-modifying factor enzyme (SUMF) domain (IPR005532) of the encoded protein sequence. Four of five in-silico tools predict a damaging effect of the variant on protein function. The variant was absent in 248980 control chromosomes (gnomAD). The available data on variant occurrences in the general population are insufficient to allow any conclusion about variant significance. To our knowledge, no occurrence of c.1042G>T in individuals affected with Multiple Sulfatase Deficiency and no experimental evidence demonstrating its impact on protein function have been reported. However, different missense changes affecting the same amino acid (A348P/V) have been reported in affected individuals (HGMD) and been demonstrated to result in severely impaired sulfatase-enhancing activity in in vitro functional studies (PMIDs 32048457, 12757706), indicating that this residue is critical for protein function. No submitters have cited clinical-significance assessments for this variant to ClinVar. Based on the evidence outlined above, the variant was classified as likely pathogenic.

NM_182760.4(SUMF1):c.1042G>T (p.Ala348Ser)

Gene: SUMF1 (sulfatase modifying factor 1; minus strand). Cytogenetic location: 3p26.1.
Variant type: single nucleotide variant.
Coding change: c.1042G>T on transcript NM_182760.4 (MANE Select); coding-DNA position 1042, G replaced by T.
Protein change: p.Ala348Ser; replaces alanine 348 with serine.
Molecular consequence: missense variant.
Genome position (GRCh38, 1-based): chr3:4,362,227, C>A on the plus strand (G>T on the coding strand, the complement: SUMF1 is on the minus strand). VCF-style: chr3-4362227-C-A. GRCh37 (hg19) VCF-style: chr3-4403911-C-A.
Other names: c.967G>T, p.Ala323Ser (NM_001164674.2); c.982G>T, p.Ala328Ser (NM_001164675.2); short protein forms A323S, A328S, A348S.
Identifiers: ClinVar variation 3335973 (VCV003335973.1).